The following is an entry in ClinVar:

ClinVar aggregate classification (germline): Uncertain significance (1 of 4 stars; one submission).

Submission:

Ambry Genetics
Classification: Uncertain significance. Last evaluated: 2026-09-11. Review status: criteria provided, single submitter. Criteria: Ambry Variant Classification Scheme 2023. Collection method: clinical testing. Allele origin: germline.
Comment: The p.A1723D variant (also known as c.5168C>A), located in coding exon 22 of the WNK2 gene, results from a C to A substitution at nucleotide position 5168. The alanine at codon 1723 is replaced by aspartic acid, an amino acid with dissimilar properties. This amino acid position is conserved. In addition, this alteration is predicted to be tolerated by in silico analysis. Based on the available evidence, the clinical significance of this variant remains unclear.

NM_006648.4(WNK2):c.5168C>A (p.Ala1723Asp)

Gene: WNK2 (WNK lysine deficient protein kinase 2; plus strand). Cytogenetic location: 9q22.31.
Variant type: single nucleotide variant.
Coding change: c.5168C>A on transcript NM_006648.4 (MANE Select); coding-DNA position 5168, C replaced by A.
Protein change: p.Ala1723Asp; replaces alanine 1723 with aspartic acid.
Molecular consequence: missense variant.
Genome position (GRCh38, 1-based): chr9:93,292,633, C>A. VCF-style: chr9-93292633-C-A. GRCh37 (hg19) VCF-style: chr9-96054915-C-A.
Other names: c.5279C>A, p.Ala1760Asp (NM_001282394.3); short protein forms A1723D, A1760D.
Identifiers: ClinVar variation 5031985 (VCV005031985.1).